The following is an entry in ClinVar:

ClinVar aggregate classification (germline): Uncertain significance (1 of 4 stars; one submission).

Allele frequency attached by ClinVar (database versions not stated): gnomAD exomes below 0.00001; TOPMed 0.00001; ExAC 0.00001.
gnomAD v4.1: 4 of 1,613,768 alleles (0.00025%); highest among the groups gnomAD compares: South Asian, 0.0044%; no homozygotes.

Submission:

Labcorp Genetics (formerly Invitae), Labcorp
Classification: Uncertain significance. Last evaluated: 2025-08-09. Review status: criteria provided, single submitter. Criteria: Invitae Variant Classification Sherloc (09022015). Collection method: clinical testing. Allele origin: germline.
Comment: This sequence change replaces cysteine, which is neutral and slightly polar, with serine, which is neutral and polar, at codon 213 of the ACVR1 protein (p.Cys213Ser). This variant is present in population databases (rs778765499, gnomAD 0.003%). This variant has not been reported in the literature in individuals affected with ACVR1-related conditions. ClinVar contains an entry for this variant (Variation ID: 2780912). An algorithm developed to predict the effect of missense changes on protein structure and function (PolyPhen-2) suggests that this variant is likely to be disruptive. In summary, the available evidence is currently insufficient to determine the role of this variant in disease. Therefore, it has been classified as a Variant of Uncertain Significance.

NM_001111067.4(ACVR1):c.638G>C (p.Cys213Ser)

Gene: ACVR1 (activin A receptor type 1; minus strand). Cytogenetic location: 2q24.1.
Variant type: single nucleotide variant.
Coding change: c.638G>C on transcript NM_001111067.4 (MANE Select); coding-DNA position 638, G replaced by C.
Protein change: p.Cys213Ser; replaces cysteine 213 with serine.
Molecular consequence: missense variant.
Genome position (GRCh38, 1-based): chr2:157,774,093, C>G on the plus strand (G>C on the coding strand, the complement: ACVR1 is on the minus strand). VCF-style: chr2-157774093-C-G. GRCh37 (hg19) VCF-style: chr2-158630605-C-G.
Other names: c.638G>C, p.Cys213Ser (NM_001105.5, NM_001347663.1, NM_001347664.1 and 3 more transcripts); short protein forms C213S.
Identifiers: ClinVar variation 2780912 (VCV002780912.3), dbSNP rs778765499, ClinGen allele CA1919107.
Genomic context (GRCh38, chr2:157,774,093, plus strand): 5'-AAAAACAAAACTAACATTGCATATTACCCACAAAGAAAGGAAAAAAAAGAATTACCGACA[C>G]ACTCCAACAGTGTAATCTGGCGAGCCACTGTTCTTTGTACCAGAAAAGGAAGACCAGAGC-3'
Protein context (NP_001104537.1, residues 203-223): TVARQITLLE[Cys213Ser]VGKGRYGEVW